The following is an entry in ClinVar:

NM_032228.6(FAR1):c.1521C>T (p.Phe507=)

Gene: FAR1 (fatty acyl-CoA reductase 1; plus strand). Cytogenetic location: 11p15.3.
Variant type: single nucleotide variant.
Coding change: c.1521C>T on transcript NM_032228.6 (MANE Select); coding-DNA position 1521, C replaced by T.
Protein change: p.Phe507=; no amino-acid change (phenylalanine 507 retained).
Molecular consequence: synonymous variant.
Genome position (GRCh38, 1-based): chr11:13,728,747, C>T. VCF-style: chr11-13728747-C-T. GRCh37 (hg19) VCF-style: chr11-13750294-C-T.
Identifiers: ClinVar variation 1669811 (VCV001669811.15), dbSNP rs147721857, ClinGen allele CA5893566.

ClinVar aggregate classification (germline): Likely benign. Review status: criteria provided, multiple submitters, no conflicts (2 of 4 stars). 2 submissions from 2 submitters: Likely benign (2). Last evaluated 2025-12-22.

Allele frequency attached by ClinVar (database versions not stated): gnomAD 0.00004 and 0.00005; ExAC 0.00005; gnomAD exomes 0.00007 and 0.00009; TOPMed 0.00007; 1000 Genomes Project 30x 0.00016; 1000 Genomes Project 0.00020.
gnomAD v4.1: 135 of 1,611,946 alleles (0.0084%); highest among the groups gnomAD compares: Non-Finnish European, 0.011%; no homozygotes.

Submissions (2):

Labcorp Genetics (formerly Invitae), Labcorp
Classification: Likely benign. Last evaluated: 2025-12-22. Review status: criteria provided, single submitter. Criteria: Invitae Variant Classification Sherloc (09022015). Collection method: clinical testing. Allele origin: germline.

CeGaT Center for Human Genetics Tuebingen
Classification: Likely benign. Last evaluated: 2025-03-01. Review status: criteria provided, single submitter. Criteria: CeGaT Center For Human Genetics Tuebingen Variant Classification Criteria Version 2. Collection method: clinical testing. Allele origin: germline. Affected: yes. Observed: 1 variant allele.
Comment: FAR1: BP4, BP7